The following is an entry in ClinVar:

NM_001367868.2(PLIN4):c.915T>C (p.Cys305=)

Gene: PLIN4 (perilipin 4; minus strand). Cytogenetic location: 19p13.3.
Variant type: single nucleotide variant.
Coding change: c.915T>C on transcript NM_001367868.2 (MANE Select); coding-DNA position 915, T replaced by C.
Protein change: p.Cys305=; no amino-acid change (cysteine 305 retained).
Molecular consequence: synonymous variant.
Genome position (GRCh38, 1-based): chr19:4,513,045, A>G on the plus strand (T>C on the coding strand, the complement: PLIN4 is on the minus strand). VCF-style: chr19-4513045-A-G. GRCh37 (hg19) VCF-style: chr19-4513057-A-G.
Other names: c.918T>C, p.Cys306= (NM_001393888.1, NM_001393889.1); c.915T>C, p.Cys305= (NM_001393890.1, NM_001393891.1).
Identifiers: ClinVar variation 2649060 (VCV002649060.24), dbSNP rs12327615, ClinGen allele CA304486257.

ClinVar aggregate classification (germline): Likely benign (1 of 4 stars; one submission).

Allele frequency attached by ClinVar (database versions not stated): gnomAD exomes 0.00002; gnomAD 0.00006.

Submission:

CeGaT Center for Human Genetics Tuebingen
Classification: Likely benign. Last evaluated: 2026-09-01. Review status: criteria provided, single submitter. Criteria: CeGaT Center For Human Genetics Tuebingen Variant Classification Criteria Version 2. Collection method: clinical testing. Allele origin: germline. Affected: yes. Observed: 8 variant alleles.
Comment: PLIN4: BP4, BP7